The following is an entry in ClinVar:

NM_033225.6(CSMD1):c.1098-4T>C

Gene: CSMD1 (CUB and Sushi multiple domains 1; minus strand). Cytogenetic location: 8p23.2.
Variant type: single nucleotide variant.
Coding change: c.1098-4T>C on transcript NM_033225.6 (MANE Select); 4 bases into the intron before coding-DNA position 1098, T replaced by C.
Molecular consequence: intron variant.
Genome position (GRCh38, 1-based): chr8:3,586,264, A>G on the plus strand (T>C on the coding strand, the complement: CSMD1 is on the minus strand). VCF-style: chr8-3586264-A-G. GRCh37 (hg19) VCF-style: chr8-3443786-A-G.
Identifiers: ClinVar variation 784123 (VCV000784123.29), dbSNP rs117264731, ClinGen allele CA4609089.

ClinVar aggregate classification (germline): Benign/Likely benign. Review status: criteria provided, multiple submitters, no conflicts (2 of 4 stars). 4 submissions from 4 submitters: Benign (2); Likely benign (2). Last evaluated 2025-08-18.

Allele frequency attached by ClinVar (database versions not stated): gnomAD 0.00205; ESP Exome Variant Server 0.00228; 1000 Genomes Project 0.00260; TOPMed 0.00268; 1000 Genomes Project 30x 0.00344.
gnomAD v4.1: 4,737 of 1,539,808 alleles (0.31%); highest among the groups gnomAD compares: Middle Eastern, 1.1%; 11 homozygotes.

Submissions (4):

Genomic Medicine Center of Excellence, King Faisal Specialist Hospital and Research Centre
Classification: Likely benign. Last evaluated: 2025-08-18. Review status: criteria provided, single submitter. Criteria: ACMG Guidelines, 2015. Collection method: clinical testing. Allele origin: germline.

CeGaT Center for Human Genetics Tuebingen
Classification: Likely benign. Last evaluated: 2024-11-01. Review status: criteria provided, single submitter. Criteria: CeGaT Center For Human Genetics Tuebingen Variant Classification Criteria Version 2. Collection method: clinical testing. Allele origin: germline. Affected: yes. Observed: 4 variant alleles.
Comment: CSMD1: BP4, BS1

Labcorp Genetics (formerly Invitae), Labcorp
Classification: Benign. Last evaluated: 2019-12-31. Review status: criteria provided, single submitter. Criteria: Invitae Variant Classification Sherloc (09022015). Collection method: clinical testing. Allele origin: germline.

Breakthrough Genomics
Classification: Benign. Review status: criteria provided, single submitter. Criteria: ACMG Guidelines, 2015. Collection method: not provided. Allele origin: germline. Inheritance: Unknown mechanism. Affected: yes.